The following is an entry in ClinVar:

ClinVar aggregate classification (germline): Uncertain significance (1 of 4 stars; one submission).

Submission:

Labcorp Genetics (formerly Invitae), Labcorp
Classification: Uncertain significance. Last evaluated: 2023-05-20. Review status: criteria provided, single submitter. Criteria: Invitae Variant Classification Sherloc (09022015). Collection method: clinical testing. Allele origin: germline.
Comment: This variant, c.5848_5853dup, results in the insertion of 2 amino acid(s) of the FLNB protein (p.Glu1950_Pro1951dup), but otherwise preserves the integrity of the reading frame. In summary, the available evidence is currently insufficient to determine the role of this variant in disease. Therefore, it has been classified as a Variant of Uncertain Significance. Experimental studies and prediction algorithms are not available or were not evaluated, and the functional significance of this variant is currently unknown. ClinVar contains an entry for this variant (Variation ID: 1367591). This variant has not been reported in the literature in individuals affected with FLNB-related conditions. This variant is not present in population databases (gnomAD no frequency).

NM_001457.4(FLNB):c.5848_5853dup (p.Glu1950_Pro1951dup)

Gene: FLNB (filamin B; plus strand). Cytogenetic location: 3p14.3.
Variant type: Duplication.
Coding change: c.5848_5853dup on transcript NM_001457.4 (MANE Select); coding-DNA positions 5848 to 5853, 6 bases duplicated (GAGCCC; older notation c.5848_5853dupGAGCCC).
Protein change: p.Glu1950_Pro1951dup.
Molecular consequence: inframe insertion.
Genome position (GRCh38, 1-based): chr3:58,148,325-58,148,330, GAGCCC duplicated; duplicating any 6 consecutive bases within chr3:58,148,324-58,148,330 gives the same sequence; the c. name uses the placement nearest the transcript's 3' end. VCF-style (leftmost placement, unchanged base first): chr3-58148323-A-ACGAGCC. GRCh37 (hg19) VCF-style: chr3-58134050-A-ACGAGCC.
Other names: c.5941_5946dup, p.Glu1981_Pro1982dup (NM_001164317.2); c.5815_5820dup, p.Glu1939_Pro1940dup (NM_001164318.2); c.5776_5781dup, p.Glu1926_Pro1927dup (NM_001164319.2).
Identifiers: ClinVar variation 1367591 (VCV001367591.8), dbSNP rs1306174529, ClinGen allele CA908636117.